The following is an entry in ClinVar:

NM_173543.3(DZIP1L):c.2300G>A (p.Trp767Ter)

Gene: DZIP1L (DAZ interacting zinc finger protein 1 like; minus strand). Cytogenetic location: 3q22.3.
Variant type: single nucleotide variant.
Coding change: c.2300G>A on transcript NM_173543.3 (MANE Select); coding-DNA position 2300, G replaced by A.
Protein change: p.Trp767Ter; replaces tryptophan 767 with a stop codon.
Molecular consequence: nonsense.
Genome position (GRCh38, 1-based): chr3:138,062,820, C>T on the plus strand (G>A on the coding strand, the complement: DZIP1L is on the minus strand). VCF-style: chr3-138062820-C-T. GRCh37 (hg19) VCF-style: chr3-137781662-C-T.
Other names: short protein forms W767*.
Identifiers: ClinVar variation 1801066 (VCV001801066.6), dbSNP rs200902457, ClinGen allele CA2634590.

ClinVar aggregate classification (germline): Uncertain significance. Review status: criteria provided, multiple submitters, no conflicts (2 of 4 stars). 4 submissions from 4 submitters: Uncertain significance (3). 1 of the submissions does not count toward it. Last evaluated 2024-11-13.

Conditions:
DZIP1L-related disorder. Also called: DZIP1L-related condition.

Allele frequency attached by ClinVar (database versions not stated): ESP Exome Variant Server 0.00015; 1000 Genomes Project 30x 0.00016; TOPMed 0.00017; 1000 Genomes Project 0.00020; ExAC 0.00022; gnomAD 0.00027; gnomAD exomes 0.00027.
gnomAD v4.1: 425 of 1,613,906 alleles (0.026%); highest among the groups gnomAD compares: Non-Finnish European, 0.031%; 2 homozygotes.

Submissions (4):

Blueprint Genetics
Classification: Uncertain significance. Last evaluated: 2024-11-13. Review status: criteria provided, single submitter. Criteria: ACMG Guidelines, 2015. Collection method: clinical testing. Allele origin: germline.

GeneDx
Classification: Uncertain significance. Last evaluated: 2024-06-12. Review status: criteria provided, single submitter. Criteria: GeneDx Variant Classification Process June 2021. Collection method: clinical testing. Allele origin: germline.
Comment: Has not been previously published as pathogenic or benign to our knowledge; Nonsense variant predicted to result in protein truncation as the last 1 amino acids are lost in a gene for which loss-of-function is not an established mechanism of disease

Labcorp Genetics (formerly Invitae), Labcorp
Classification: Uncertain significance. Last evaluated: 2022-02-22. Review status: criteria provided, single submitter. Criteria: Invitae Variant Classification Sherloc (09022015). Collection method: clinical testing. Allele origin: germline.
Comment: This sequence change creates a premature translational stop signal (p.Trp767*) in the DZIP1L gene. While this is not anticipated to result in nonsense mediated decay, it is expected to disrupt the last 1 amino acid(s) of the DZIP1L protein. This variant is present in population databases (rs200902457, gnomAD 0.09%). This variant has not been reported in the literature in individuals affected with DZIP1L-related conditions. Algorithms developed to predict the effect of sequence changes on RNA splicing suggest that this variant may create or strengthen a splice site. In summary, the available evidence is currently insufficient to determine the role of this variant in disease. Therefore, it has been classified as a Variant of Uncertain Significance.

PreventionGenetics, part of Exact Sciences
Classification: Uncertain significance for DZIP1L-related condition. Last evaluated: 2024-07-17. Review status: no assertion criteria provided. Collection method: clinical testing. Allele origin: germline. Not counted in ClinVar's aggregate classification.
Comment: The DZIP1L c.2300G>A variant is predicted to result in premature protein termination (p.Trp767*). Of note, the normal protein terminates at codon 768. To our knowledge, this variant has not been reported in the literature. This variant is reported in 0.088% of alleles in individuals of European (Finnish) descent in gnomAD v2.1.1 (as displayed in the table above). However, in gnomAD v4.1.0 (available only on GRCh38), there are two homozygotes of this variant. Although we suspect this variant is benign, the clinical significance of this variant is uncertain due to the absence of conclusive functional and genetic evidence.